The following is an entry in ClinVar:

ClinVar aggregate classification (germline): Uncertain significance. Review status: criteria provided, multiple submitters, no conflicts (2 of 4 stars). 3 submissions from 3 submitters: Uncertain significance (3). Last evaluated 2026-04-10.

Conditions:
ALPK3-related disorder. Also called: ALPK3-related condition.
Cardiovascular phenotype. Identifiers: MedGen CN230736.

Allele frequency attached by ClinVar (database versions not stated): gnomAD 0.00001; gnomAD exomes 0.00002 and 0.00003; TOPMed 0.00002.
gnomAD v4.1: 38 of 1,612,354 alleles (0.0024%); highest among the groups gnomAD compares: Non-Finnish European, 0.0031%; no homozygotes.

Submissions (3):

PreventionGenetics, part of Exact Sciences
Classification: Uncertain significance for ALPK3-related condition. Last evaluated: 2026-04-10. Review status: criteria provided, single submitter. Criteria: ACMG Guidelines, 2015. Collection method: clinical testing. Allele origin: germline.
Comment: The ALPK3 c.4057C>T variant is predicted to result in the amino acid substitution p.Leu1353Phe. To our knowledge, this variant has not been reported in the literature. This variant is reported in 0.0033% of alleles in individuals of South Asian descent in gnomAD. At this time, the clinical significance of this variant is uncertain due to the absence of conclusive functional and genetic evidence.

GeneDx
Classification: Uncertain significance. Last evaluated: 2023-07-19. Review status: criteria provided, single submitter. Criteria: GeneDx Variant Classification Process June 2021. Collection method: clinical testing. Allele origin: germline. Affected: yes.
Comment: Has not been previously published as pathogenic or benign to our knowledge; Not observed at significant frequency in large population cohorts (gnomAD); In silico analysis supports that this missense variant does not alter protein structure/function

Ambry Genetics
Classification: Uncertain significance for Cardiovascular phenotype. Last evaluated: 2023-07-05. Review status: criteria provided, single submitter. Criteria: Ambry Variant Classification Scheme 2023. Collection method: clinical testing. Allele origin: germline.
Comment: The p.L1353F variant (also known as c.4057C>T), located in coding exon 6 of the ALPK3 gene, results from a C to T substitution at nucleotide position 4057. The leucine at codon 1353 is replaced by phenylalanine, an amino acid with highly similar properties. This amino acid position is well conserved in available vertebrate species. In addition, this alteration is predicted to be tolerated by in silico analysis. Since supporting evidence is limited at this time, the clinical significance of this alteration remains unclear.

NM_020778.5(ALPK3):c.3451C>T (p.Leu1151Phe)

Gene: ALPK3 (alpha kinase 3; plus strand). Cytogenetic location: 15q25.3.
Variant type: single nucleotide variant.
Coding change: c.3451C>T on transcript NM_020778.5 (MANE Select); coding-DNA position 3451, C replaced by T.
Protein change: p.Leu1151Phe; replaces leucine 1151 with phenylalanine.
Molecular consequence: missense variant.
Genome position (GRCh38, 1-based): chr15:84,858,189, C>T. VCF-style: chr15-84858189-C-T. GRCh37 (hg19) VCF-style: chr15-85401420-C-T.
Other names: short protein forms L1151F.
Identifiers: ClinVar variation 1309320 (VCV001309320.7), dbSNP rs779886712, ClinGen allele CA273625479.